The following is an entry in ClinVar:

ClinVar aggregate classification (germline): Uncertain significance (1 of 4 stars; one submission).

Conditions:
Inborn genetic diseases. Identifiers: MedGen C0950123, MeSH D030342.

Submission:

Ambry Genetics
Classification: Uncertain significance for Inborn genetic diseases. Last evaluated: 2025-02-08. Review status: criteria provided, single submitter. Criteria: Ambry Variant Classification Scheme 2023. Collection method: clinical testing. Allele origin: germline.
Comment: The p.A418T variant (also known as c.1252G>A), located in coding exon 14 of the FANCA gene, results from a G to A substitution at nucleotide position 1252. The alanine at codon 418 is replaced by threonine, an amino acid with similar properties. This amino acid position is conserved. In addition, this alteration is predicted to be deleterious by in silico analysis. Based on the available evidence, the clinical significance of this variant remains unclear.

NM_000135.4(FANCA):c.1252G>A (p.Ala418Thr)

Gene: FANCA (FA complementation group A; minus strand). Cytogenetic location: 16q24.3.
Variant type: single nucleotide variant.
Coding change: c.1252G>A on transcript NM_000135.4 (MANE Select); coding-DNA position 1252, G replaced by A.
Protein change: p.Ala418Thr; replaces alanine 418 with threonine.
Molecular consequence: missense variant.
Genome position (GRCh38, 1-based): chr16:89,791,510, C>T on the plus strand (G>A on the coding strand, the complement: FANCA is on the minus strand). VCF-style: chr16-89791510-C-T. GRCh37 (hg19) VCF-style: chr16-89857918-C-T.
Other names: c.1252G>A, p.Ala418Thr (NM_001286167.3); short protein forms A418T.
Identifiers: ClinVar variation 3848210 (VCV003848210.1).